The following is an entry in ClinVar:

NM_003742.4(ABCB11):c.1708G>A (p.Ala570Thr)

Gene: ABCB11 (ATP binding cassette subfamily B member 11; minus strand). Cytogenetic location: 2q31.1.
Variant type: single nucleotide variant.
Coding change: c.1708G>A on transcript NM_003742.4 (MANE Select); coding-DNA position 1708, G replaced by A.
Protein change: p.Ala570Thr; replaces alanine 570 with threonine.
Molecular consequence: missense variant.
Genome position (GRCh38, 1-based): chr2:168,970,146, C>T on the plus strand (G>A on the coding strand, the complement: ABCB11 is on the minus strand). VCF-style: chr2-168970146-C-T. GRCh37 (hg19) VCF-style: chr2-169826656-C-T.
Other names: c.1708G>A, p.Ala570Thr (LRG_1199t1); short protein forms A570T.
Identifiers: ClinVar variation 288100 (VCV000288100.26), dbSNP rs886043807, ClinGen allele CA10605968.

ClinVar aggregate classification (germline): Pathogenic/Likely pathogenic. Review status: criteria provided, multiple submitters, no conflicts (2 of 4 stars). 12 submissions from 12 submitters: Pathogenic (9); Likely pathogenic (2). 1 of the submissions does not count toward it. Last evaluated 2026-08-26.

Conditions:
Familial intrahepatic cholestasis. Identifiers: Orphanet 284385, MedGen CN296401, MONDO:0017290.
Benign recurrent intrahepatic cholestasis type 2 (BRIC2). Also called: Recurrent familial intrahepatic cholestasis 2. Identifiers: Orphanet 65682, Orphanet 99961, MedGen C2608083, MONDO:0011559, OMIM 605479.
Progressive familial intrahepatic cholestasis type 1. Also called: Severe ATP8B1 Deficiency (Progressive Familial Intrahepatic Cholestasis Type 1 [PFIC1]); BYLER DISEASE; Byler's disease. Identifiers: Orphanet 79306, MedGen C4551898, MONDO:0008892, OMIM 211600.
Progressive familial intrahepatic cholestasis type 2. Identifiers: Orphanet 79304, MedGen C3489789, MONDO:0011156, OMIM 601847.
ABCB11-related disorder. Also called: ABCB11-related condition.

Allele frequency attached by ClinVar (database versions not stated): gnomAD exomes below 0.00001; gnomAD 0.00003; TOPMed 0.00008.
gnomAD v4.1: 11 of 1,612,798 alleles (0.00068%); highest among the groups gnomAD compares: Admixed American, 0.012%; no homozygotes.

Submissions (12):

PreventionGenetics, part of Exact Sciences
Classification: Pathogenic for ABCB11-related condition. Last evaluated: 2026-08-26. Review status: criteria provided, single submitter. Criteria: ACMG Guidelines, 2015. Collection method: clinical testing. Allele origin: germline.
Comment: The ABCB11 c.1708G>A variant is predicted to result in the amino acid substitution p.Ala570Thr. This variant has been reported in the homozygous and compound heterozygous states in individuals affected with ABCB11-related disorders (van Mil et al. 2004. PubMed ID: 15300568; Lam et al. 2007. PubMed ID: 17855769; Byrne et al. 2009. PubMed ID: 19101985; Supplementary Table 3, Kong et al. 2023. PubMed ID: 38057357). Functional studies using protein expression in cell culture demonstrated that the p.Ala570Thr substitution results in greatly reduced levels of mature protein and reduction in bile salt transport (Lam et al. 2007. PubMed ID: 17855769; Kagawa et al. 2008. PubMed ID: 17947449). This variant is reported in 0.00089% of alleles in individuals of European (Non-Finnish) descent in gnomAD and is interpreted as pathogenic/likely pathogenic in ClinVar (Variation ID: 288100). An alternative missense variant at the same amino acid position, p.Ala570Val, has also been reported in individuals with ABCB11-related disorders (Giovannoni et al. 2015. PubMed ID: 26678486; Dröge et al. 2017. PubMed ID: 28733223). Based on the available evidence, we classify c.1708G>A (p.Ala570Thr) as pathogenic.

Women's Health and Genetics/Laboratory Corporation of America, LabCorp
Classification: Pathogenic for Progressive familial intrahepatic cholestasis type 1. Last evaluated: 2026-06-29. Review status: criteria provided, single submitter. Criteria: LabCorp Variant Classification Summary - May 2015. Collection method: clinical testing. Allele origin: germline.
Comment: Variant summary: ABCB11 c.1708G>A (p.Ala570Thr) results in a non-conservative amino acid change in the encoded protein sequence. Algorithms developed to predict the effect of missense changes on protein structure and function all suggest that this variant is likely to be disruptive. The variant allele was found at a frequency of 4e-06 in 248406 control chromosomes. c.1708G>A has been observed in multiple individuals with homozygous or compound heterozygous genotype affected with ABCB11-related cholestasis (e.g. Strautnieks_2008, Giovannoni_2015, Cheema_2023). These data indicate that the variant is very likely to be associated with disease. At least two publications report experimental evidence evaluating this variant using heterologous rat Bsep systems, in which A570T showed reduced protein expression but retained partial taurocholate transport activity (~52% of wild-type taurocholate transport) (Lam_2007, Kagawa_2008). The following publications have been ascertained in the context of this evaluation (PMID: 37697751, 26678486, 17947449, 17855769, 18395098, 15300568). ClinVar contains an entry for this variant (Variation ID: 288100). Based on the evidence outlined above, the variant was classified as pathogenic.

Genomenon, Inc
Classification: Pathogenic for Familial intrahepatic cholestasis. Last evaluated: 2026-04-14. Review status: criteria provided, single submitter. Criteria: Genomenon Sequence Variant Interpretation Standards - Updated. Collection method: curation. Allele origin: germline. Affected: yes.
Comment: ABCB11 p.Ala570Thr (c.1708G>A) is a missense variant that changes the amino acid at residue 570 from Alanine to Threonine. This variant has been observed in at least one proband with an ABCB11-related disorder (PMID:39960943;37697751;37566928;37471416;35844336;15300568;26678486;21490445). It has been observed in trans with a pathogenic or likely pathogenic variant (PMID:26678486). At least one functional study has demonstrated a substantial alteration in protein function relative to the wild-type (PMID:17947449;17855769;25713208). It is absent or not present at a significant frequency in gnomAD. In silico models predict that this variant is possibly or probably damaging. In conclusion, we classify ABCB11 p.Ala570Thr (c.1708G>A) as a pathogenic variant.

GeneDx
Classification: Pathogenic. Last evaluated: 2026-02-13. Review status: criteria provided, single submitter. Criteria: GeneDx Variant Classification Process June 2021. Collection method: clinical testing. Allele origin: germline.
Comment: Has been reported in patients with features of ABCB11-related phenotype in the published literature (PMID: 21490445, 15300568, 18395098, 34016879, 26678486); Observed with pathogenic variant on the opposite allele (in trans) or in apparent homozygous state in patients with intrahepatic cholestasis in the published literature, and not observed in homozygous state in controls (PMID: 26678486,15300568, 18395098); Published functional studies demonstrate a damaging effect in ABCB11 protein abundance, stability, and transport activity (PMID: 17855769, 19101985); In silico analysis supports that this missense variant has a deleterious effect on protein structure/function; Not observed at significant frequency in large population cohorts (gnomAD); This variant is associated with the following publications: (PMID: 17947449, 23722250, 19101985, 17855769, 34016879, 21490445, 35844336, 38057357, 18395098, 39960943, 15300568, 37566928, 26678486)

Labcorp Genetics (formerly Invitae), Labcorp
Classification: Pathogenic. Last evaluated: 2026-01-19. Review status: criteria provided, single submitter. Criteria: Invitae Variant Classification Sherloc (09022015). Collection method: clinical testing. Allele origin: germline.
Comment: This sequence change replaces alanine, which is neutral and non-polar, with threonine, which is neutral and polar, at codon 570 of the ABCB11 protein (p.Ala570Thr). The frequency data for this variant in the population databases is considered unreliable, as metrics indicate poor data quality at this position in the gnomAD database. This missense change has been observed in individuals with ABCB11-related conditions (PMID: 15300568, 18395098, 26678486). ClinVar contains an entry for this variant (Variation ID: 288100). Invitae Evidence Modeling of protein sequence and biophysical properties (such as structural, functional, and spatial information, amino acid conservation, physicochemical variation, residue mobility, and thermodynamic stability) indicates that this missense variant is expected to disrupt ABCB11 protein function with a positive predictive value of 95%. Experimental studies have shown that this missense change affects ABCB11 function (PMID: 17855769, 17947449, 19101985). This variant disrupts the p.Ala570 amino acid residue in ABCB11. Other variant(s) that disrupt this residue have been observed in individuals with ABCB11-related conditions (PMID: 26678486), which suggests that this may be a clinically significant amino acid residue. For these reasons, this variant has been classified as Pathogenic.

Natera, Inc.
Classification: Pathogenic for Progressive familial intrahepatic cholestasis type 2. Last evaluated: 2025-10-22. Review status: criteria provided, single submitter. Criteria: Natera Variant Classification Schema (03/2026). Collection method: clinical testing. Allele origin: germline.
Comment: The c.1708G>A variant in ABCB11 is a missense variant predicted to cause substitution of alanine to threonine at amino acid 570. This variant is rare in the general population with a frequency below the threshold expected for the associated phenotype(s). This variant has been observed in one or more individuals affected with the associated recessive disease, as either homozygous or compound heterozygous with a second variant (PMID: 38057357, 37697751, 34016879, 26678486). Computational prediction algorithms indicate this variant is likely to affect gene or protein function. Given the available evidence, this variant is classified as Pathogenic.

Immunogenetics and Transplant Biology Service, University Hospital "Città della Salute e della Scienza di Torino"
Classification: Pathogenic for Benign recurrent intrahepatic cholestasis type 2; Progressive familial intrahepatic cholestasis type 2. Last evaluated: 2025-06-28. Review status: criteria provided, single submitter. Criteria: ACMG Guidelines, 2015. Collection method: clinical testing. Allele origin: germline. Affected: yes.

Fulgent Genetics
Classification: Likely pathogenic for Progressive familial intrahepatic cholestasis type 2; Benign recurrent intrahepatic cholestasis type 2. Last evaluated: 2024-06-17. Review status: criteria provided, single submitter. Criteria: ACMG Guidelines, 2015. Collection method: clinical testing. Allele origin: germline.

Baylor Genetics
Classification: Pathogenic for Benign recurrent intrahepatic cholestasis type 2. Last evaluated: 2024-02-17. Review status: criteria provided, single submitter. Criteria: ACMG Guidelines, 2015. Collection method: clinical testing. Allele origin: unknown.

Revvity Omics, Revvity
Classification: Pathogenic. Last evaluated: 2021-08-09. Review status: criteria provided, single submitter. Criteria: ACMG Guidelines, 2015. Collection method: clinical testing. Allele origin: germline.

Eurofins Ntd Llc (ga)
Classification: Likely pathogenic. Last evaluated: 2017-12-18. Review status: criteria provided, single submitter. Criteria: EGL Classification Definitions 2015. Collection method: clinical testing. Allele origin: germline. Observed: 5 variant alleles, 4 heterozygotes, 1 homozygote.

Genomics And Bioinformatics Analysis Resource, Columbia University
Classification: Pathogenic for Progressive familial intrahepatic cholestasis type 2. Review status: no assertion criteria provided. Collection method: research. Allele origin: unknown. Affected: yes. Not counted in ClinVar's aggregate classification.
Comment: Compound Heterozygous

Literature cited by the submitters: PubMed 18395098 (cited by Women's Health and Genetics/Laboratory Corporation of America, LabCorp and Labcorp Genetics (formerly Invitae), Labcorp); PubMed 26678486 (cited by 4 submitters); PubMed 37697751 (cited by 3 submitters); PubMed 17947449 (cited by 4 submitters); PubMed 17855769 (cited by 3 submitters); PubMed 15300568 (cited by 4 submitters); PubMed 39960943 (cited by Genomenon, Inc); PubMed 37566928 (cited by Genomenon, Inc); PubMed 37471416 (cited by Genomenon, Inc); PubMed 35844336 (cited by Genomenon, Inc); PubMed 21490445 (cited by Genomenon, Inc); PubMed 25713208 (cited by Genomenon, Inc); PubMed 19101985 (cited by Labcorp Genetics (formerly Invitae), Labcorp and Eurofins Ntd Llc (ga)); PubMed 38057357 (cited by Natera, Inc.); PubMed 34016879 (cited by Natera, Inc.).